The following is an entry in ClinVar:

ClinVar aggregate classification (germline): Uncertain significance (1 of 4 stars; one submission).

Conditions:
Hajdu-Cheney syndrome (HJCYS). Also called: ACROOSTEOLYSIS WITH OSTEOPOROSIS AND CHANGES IN SKULL AND MANDIBLE; Acroosteolysis dominant type; SERPENTINE FIBULA-POLYCYSTIC KIDNEY SYNDROME. Identifiers: Orphanet 955, MedGen C0917715, MONDO:0007057, OMIM 102500.

Allele frequency attached by ClinVar (database versions not stated): TOPMed below 0.00001; gnomAD 0.00001.
gnomAD v4.1: 1 of 1,614,028 alleles (0.000062%); highest among the groups gnomAD compares: African/African-American, 0.0013%; no homozygotes.

Submission:

Labcorp Genetics (formerly Invitae), Labcorp
Classification: Uncertain significance for Hajdu-Cheney syndrome. Last evaluated: 2024-09-30. Review status: criteria provided, single submitter. Criteria: Invitae Variant Classification Sherloc (09022015). Collection method: clinical testing. Allele origin: germline.
Comment: This sequence change replaces glutamine, which is neutral and polar, with arginine, which is basic and polar, at codon 466 of the NOTCH2 protein (p.Gln466Arg). This variant is not present in population databases (gnomAD no frequency). This variant has not been reported in the literature in individuals affected with NOTCH2-related conditions. ClinVar contains an entry for this variant (Variation ID: 1937660). Invitae Evidence Modeling of protein sequence and biophysical properties (such as structural, functional, and spatial information, amino acid conservation, physicochemical variation, residue mobility, and thermodynamic stability) indicates that this missense variant is not expected to disrupt NOTCH2 protein function with a negative predictive value of 95%. In summary, the available evidence is currently insufficient to determine the role of this variant in disease. Therefore, it has been classified as a Variant of Uncertain Significance.

NM_024408.4(NOTCH2):c.1397A>G (p.Gln466Arg)

Gene: NOTCH2 (notch receptor 2; minus strand). Cytogenetic location: 1p12.
Variant type: single nucleotide variant.
Coding change: c.1397A>G on transcript NM_024408.4 (MANE Select); coding-DNA position 1397, A replaced by G.
Protein change: p.Gln466Arg; replaces glutamine 466 with arginine.
Molecular consequence: missense variant.
Genome position (GRCh38, 1-based): chr1:119,967,489, T>C on the plus strand (A>G on the coding strand, the complement: NOTCH2 is on the minus strand). VCF-style: chr1-119967489-T-C. GRCh37 (hg19) VCF-style: chr1-120510112-T-C.
Other names: c.1397A>G, p.Gln466Arg (NM_001200001.2); short protein forms Q466R.
Identifiers: ClinVar variation 1937660 (VCV001937660.5), dbSNP rs1210547912, ClinGen allele CA341877774.